The following is an entry in ClinVar:

NM_001378030.1(CCDC78):c.548_549delinsGA (p.Leu183Arg)

Gene: CCDC78 (coiled-coil domain containing 78; minus strand). Cytogenetic location: 16p13.3.
Variant type: Indel.
Coding change: c.548_549delinsGA on transcript NM_001378030.1 (MANE Select); coding-DNA positions 548 to 549, TG replaced by GA.
Protein change: p.Leu183Arg; replaces leucine 183 with arginine.
Molecular consequence: missense variant. On other transcripts: non-coding transcript variant (5).
Genome position (GRCh38, 1-based): chr16:725,089-725,090, CA replaced by TC on the plus strand (TG replaced by GA on the coding strand, the reverse complement: CCDC78 is on the minus strand). VCF-style: chr16-725089-CA-TC. GRCh37 (hg19) VCF-style: chr16-775089-CA-TC.
Other names: c.548_549delinsGA, p.Leu183Arg (NM_001031737.3, NM_001378031.1); c.186_187delinsGA, p.Gly63Ser (NM_001378033.1); short protein forms L183R, G63S.
Identifiers: ClinVar variation 1386183 (VCV001386183.6), dbSNP rs2151561882, ClinGen allele CA2573152017.

ClinVar aggregate classification (germline): Uncertain significance (1 of 4 stars; one submission).

Conditions:
Congenital myopathy with internal nuclei and atypical cores. Also called: Myopathy, centronuclear, 4. Identifiers: Orphanet 319160, MedGen C4707232, MONDO:0013890, OMIM 614807.

Submission:

Labcorp Genetics (formerly Invitae), Labcorp
Classification: Uncertain significance for Congenital myopathy with internal nuclei and atypical cores. Last evaluated: 2021-04-28. Review status: criteria provided, single submitter. Criteria: Invitae Variant Classification Sherloc (09022015). Collection method: clinical testing. Allele origin: germline.
Comment: The frequency data for this variant in the population databases is not available, as this variant may be reported as separate entries in the ExAC database. This sequence change replaces leucine with arginine at codon 183 of the CCDC78 protein (p.Leu183Arg). The leucine residue is highly conserved and there is a moderate physicochemical difference between leucine and arginine. This variant has not been reported in the literature in individuals with CCDC78-related conditions. Algorithms developed to predict the effect of missense changes on protein structure and function are either unavailable or do not agree on the potential impact of this missense change (SIFT: "Not Available"; PolyPhen-2: "Probably Damaging"; Align-GVGD: "Not Available"). In summary, the available evidence is currently insufficient to determine the role of this variant in disease. Therefore, it has been classified as a Variant of Uncertain Significance.